The following is an entry in ClinVar:

ClinVar aggregate classification (germline): Conflicting classifications of pathogenicity. Review status: criteria provided, conflicting classifications (1 of 4 stars). 3 submissions from 3 submitters: Uncertain significance (1); Likely benign (1). 1 of the submissions does not count toward it. Last evaluated 2025-04-30.

Conditions:
FAT1-related disorder. Also called: FAT1-related condition.
Inborn genetic diseases. Identifiers: MedGen C0950123, MeSH D030342.

Allele frequency attached by ClinVar (database versions not stated): gnomAD exomes 0.00007; 1000 Genomes Project 30x 0.00016; 1000 Genomes Project 0.00020; ExAC 0.00021; gnomAD 0.00104; TOPMed 0.00105; ESP Exome Variant Server 0.00115.
gnomAD v4.1: 268 of 1,614,006 alleles (0.017%); highest among the groups gnomAD compares: African/African-American, 0.33%; 1 homozygote.

Submissions (3):

Labcorp Genetics (formerly Invitae), Labcorp
Classification: Likely benign. Last evaluated: 2025-04-30. Review status: criteria provided, single submitter. Criteria: Invitae Variant Classification Sherloc (09022015). Collection method: clinical testing. Allele origin: germline.

Ambry Genetics
Classification: Uncertain significance for Inborn genetic diseases. Last evaluated: 2021-11-08. Review status: criteria provided, single submitter. Criteria: Ambry Variant Classification Scheme 2023. Collection method: clinical testing. Allele origin: germline.

PreventionGenetics, part of Exact Sciences
Classification: Likely benign for FAT1-related condition. Last evaluated: 2022-02-07. Review status: no assertion criteria provided. Collection method: clinical testing. Allele origin: germline. Not counted in ClinVar's aggregate classification.
Comment: This variant is classified as likely benign based on ACMG/AMP sequence variant interpretation guidelines (Richards et al. 2015 PMID: 25741868, with internal and published modifications).

NM_005245.4(FAT1):c.10079A>G (p.Asp3360Gly)

Gene: FAT1 (FAT atypical cadherin 1; minus strand). Cytogenetic location: 4q35.2.
Variant type: single nucleotide variant.
Coding change: c.10079A>G on transcript NM_005245.4 (MANE Select); coding-DNA position 10079, A replaced by G.
Protein change: p.Asp3360Gly; replaces aspartic acid 3360 with glycine.
Molecular consequence: missense variant.
Genome position (GRCh38, 1-based): chr4:186,609,310, T>C on the plus strand (A>G on the coding strand, the complement: FAT1 is on the minus strand). VCF-style: chr4-186609310-T-C. GRCh37 (hg19) VCF-style: chr4-187530464-T-C.
Other names: c.10079A>G (NM_005245.3); short protein forms D3360G.
Identifiers: ClinVar variation 2141642 (VCV002141642.7), dbSNP rs201113097, ClinGen allele CA3165478.